The following is an entry in ClinVar:

ClinVar aggregate classification (germline): Uncertain significance (1 of 4 stars; one submission).

gnomAD v4.1: 10 of 1,613,202 alleles (0.00062%); highest among the groups gnomAD compares: Non-Finnish European, 0.00085%; no homozygotes.

Submission:

Labcorp Genetics (formerly Invitae), Labcorp
Classification: Uncertain significance. Last evaluated: 2025-03-18. Review status: criteria provided, single submitter. Criteria: Invitae Variant Classification Sherloc (09022015). Collection method: clinical testing. Allele origin: germline.
Comment: This sequence change replaces alanine, which is neutral and non-polar, with threonine, which is neutral and polar, at codon 576 of the DEF6 protein (p.Ala576Thr). This variant is present in population databases (no rsID available, gnomAD 0.007%). This variant has not been reported in the literature in individuals affected with DEF6-related conditions. An algorithm developed to predict the effect of missense changes on protein structure and function (PolyPhen-2) suggests that this variant is likely to be tolerated. In summary, the available evidence is currently insufficient to determine the role of this variant in disease. Therefore, it has been classified as a Variant of Uncertain Significance.

NM_022047.4(DEF6):c.1726G>A (p.Ala576Thr)

Gene: DEF6 (DEF6 guanine nucleotide exchange factor; plus strand). Cytogenetic location: 6p21.31.
Variant type: single nucleotide variant.
Coding change: c.1726G>A on transcript NM_022047.4 (MANE Select); coding-DNA position 1726, G replaced by A.
Protein change: p.Ala576Thr; replaces alanine 576 with threonine.
Molecular consequence: missense variant.
Genome position (GRCh38, 1-based): chr6:35,321,240, G>A. VCF-style: chr6-35321240-G-A. GRCh37 (hg19) VCF-style: chr6-35289017-G-A.
Other names: short protein forms A576T.
Identifiers: ClinVar variation 4696258 (VCV004696258.1).